The following is an entry in ClinVar:

NM_018191.4(RCBTB1):c.262C>T (p.Leu88Phe)

Gene: RCBTB1 (RCC1 and BTB domain containing protein 1; minus strand). Cytogenetic location: 13q14.2.
Variant type: single nucleotide variant.
Coding change: c.262C>T on transcript NM_018191.4 (MANE Select); coding-DNA position 262, C replaced by T.
Protein change: p.Leu88Phe; replaces leucine 88 with phenylalanine.
Molecular consequence: missense variant. On other transcripts: 5 prime UTR variant (1), non-coding transcript variant (2).
Genome position (GRCh38, 1-based): chr13:49,566,633, G>A on the plus strand (C>T on the coding strand, the complement: RCBTB1 is on the minus strand). VCF-style: chr13-49566633-G-A. GRCh37 (hg19) VCF-style: chr13-50140769-G-A.
Other names: c.262C>T, p.Leu88Phe (NM_001352500.2, NM_001352501.2, NM_001352502.2 and 3 more transcripts); c.-348C>T (NM_001352506.2); short protein forms L88F.
Identifiers: ClinVar variation 4738652 (VCV004738652.1).

ClinVar aggregate classification (germline): Uncertain significance (1 of 4 stars; one submission).

Submission:

Labcorp Genetics (formerly Invitae), Labcorp
Classification: Uncertain significance. Last evaluated: 2025-03-04. Review status: criteria provided, single submitter. Criteria: Invitae Variant Classification Sherloc (09022015). Collection method: clinical testing. Allele origin: germline.
Comment: This sequence change replaces leucine, which is neutral and non-polar, with phenylalanine, which is neutral and non-polar, at codon 88 of the RCBTB1 protein (p.Leu88Phe). This variant is not present in population databases (gnomAD no frequency). This variant has not been reported in the literature in individuals affected with RCBTB1-related conditions. Invitae Evidence Modeling of protein sequence and biophysical properties (such as structural, functional, and spatial information, amino acid conservation, physicochemical variation, residue mobility, and thermodynamic stability) indicates that this missense variant is not expected to disrupt RCBTB1 protein function with a negative predictive value of 80%. In summary, the available evidence is currently insufficient to determine the role of this variant in disease. Therefore, it has been classified as a Variant of Uncertain Significance.